The following is an entry in ClinVar:

ClinVar aggregate classification (germline): Uncertain significance. Review status: criteria provided, multiple submitters, no conflicts (2 of 4 stars). 2 submissions from 2 submitters: Uncertain significance (2). Last evaluated 2022-06-20.

Conditions:
Nemaline myopathy 2 (NEM2). Also called: Nemaline myopathy 2, autosomal recessive. Identifiers: MedGen C1850569, MONDO:0009725, OMIM 256030.

Submissions (2):

Labcorp Genetics (formerly Invitae), Labcorp
Classification: Uncertain significance for Nemaline myopathy 2. Last evaluated: 2022-06-20. Review status: criteria provided, single submitter. Criteria: Invitae Variant Classification Sherloc (09022015). Collection method: clinical testing. Allele origin: germline.
Comment: This sequence change replaces arginine, which is basic and polar, with leucine, which is neutral and non-polar, at codon 974 of the NEB protein (p.Arg974Leu). This variant is not present in population databases (gnomAD no frequency). This variant has not been reported in the literature in individuals affected with NEB-related conditions. Algorithms developed to predict the effect of missense changes on protein structure and function are either unavailable or do not agree on the potential impact of this missense change (SIFT: "Deleterious"; PolyPhen-2: "Not Available"; Align-GVGD: "Class C0"). In summary, the available evidence is currently insufficient to determine the role of this variant in disease. Therefore, it has been classified as a Variant of Uncertain Significance.

Revvity Omics, Revvity
Classification: Uncertain significance. Last evaluated: 2020-03-25. Review status: criteria provided, single submitter. Criteria: ACMG Guidelines, 2015. Collection method: clinical testing. Allele origin: germline.

NM_001164508.2(NEB):c.2921G>T (p.Arg974Leu)

Gene: NEB (nebulin; minus strand). Cytogenetic location: 2q23.3.
Variant type: single nucleotide variant.
Coding change: c.2921G>T on transcript NM_001164508.2 (MANE Select); coding-DNA position 2921, G replaced by T.
Protein change: p.Arg974Leu; replaces arginine 974 with leucine.
Molecular consequence: missense variant.
Genome position (GRCh38, 1-based): chr2:151,682,684, C>A on the plus strand (G>T on the coding strand, the complement: NEB is on the minus strand). VCF-style: chr2-151682684-C-A. GRCh37 (hg19) VCF-style: chr2-152539198-C-A.
Other names: c.2921G>T, p.Arg974Leu (NM_001164507.2, NM_001271208.2, NM_004543.5); c.2921G>T (NM_001271208.1); short protein forms R974L.
Identifiers: ClinVar variation 1360014 (VCV001360014.10), dbSNP rs368642083, ClinGen allele CA348821395.